The following is an entry in ClinVar:

ClinVar aggregate classification (germline): Uncertain significance (1 of 4 stars; one submission).

gnomAD v4.1: 6 of 1,613,924 alleles (0.00037%); highest among the groups gnomAD compares: East Asian, 0.013%; no homozygotes.

Submission:

Ambry Genetics
Classification: Uncertain significance. Last evaluated: 2024-11-22. Review status: criteria provided, single submitter. Criteria: Ambry Variant Classification Scheme 2023. Collection method: clinical testing. Allele origin: germline.
Comment: The p.V647A variant (also known as c.1940T>C), located in coding exon 1 of the TET2 gene, results from a T to C substitution at nucleotide position 1940. The valine at codon 647 is replaced by alanine, an amino acid with similar properties. This amino acid position is conserved. In addition, this alteration is predicted to be tolerated by in silico analysis. Based on the available evidence, the clinical significance of this variant remains unclear.

NM_001127208.3(TET2):c.1940T>C (p.Val647Ala)

Genes: TET2 (tet methylcytosine dioxygenase 2; plus strand), TET2-AS1 (TET2 antisense RNA 1; minus strand). Cytogenetic location: 4q24.
Variant type: single nucleotide variant.
Coding change: c.1940T>C on transcript NM_001127208.3 (MANE Select); coding-DNA position 1940, T replaced by C.
Protein change: p.Val647Ala; replaces valine 647 with alanine.
Molecular consequence: missense variant.
Genome position (GRCh38, 1-based): chr4:105,235,882, T>C. VCF-style: chr4-105235882-T-C. GRCh37 (hg19) VCF-style: chr4-106157039-T-C.
Other names: c.1940T>C, p.Val647Ala (NM_017628.4); short protein forms V647A.
Identifiers: ClinVar variation 3455318 (VCV003455318.1).